The following is an entry in ClinVar:

NM_001927.4(DES):c.869C>G (p.Ser290Cys)

Gene: DES (desmin; plus strand). Cytogenetic location: 2q35.
Variant type: single nucleotide variant.
Coding change: c.869C>G on transcript NM_001927.4 (MANE Select); coding-DNA position 869, C replaced by G.
Protein change: p.Ser290Cys; replaces serine 290 with cysteine.
Molecular consequence: missense variant. On other transcripts: intron variant (1).
Genome position (GRCh38, 1-based): chr2:219,420,628, C>G. VCF-style: chr2-219420628-C-G. GRCh37 (hg19) VCF-style: chr2-220285350-C-G.
Other names: c.866C>G, p.Ser289Cys (NM_001382708.1); c.869C>G, p.Ser290Cys (NM_001382710.1, NM_001382711.1, NM_001382712.1); c.599C>G, p.Ser200Cys (NM_001382713.1); c.735+282C>G (NM_001382709.1); short protein forms S289C, S200C, S290C.
Identifiers: ClinVar variation 2940081 (VCV002940081.3), dbSNP rs981782522, ClinGen allele CA350691730.

ClinVar aggregate classification (germline): Uncertain significance (1 of 4 stars; one submission).

Conditions:
Desmin-related myofibrillar myopathy (MFM1). Also called: Desminopathy; Desmin related myopathy (former name); Desmin storage myopathy (former name); MYOFIBRILLAR MYOPATHY WITH ARRHYTHMOGENIC RIGHT VENTRICULAR CARDIOMYOPATHY; DESMIN-RELATED MYOPATHY WITH ARRHYTHMOGENIC RIGHT VENTRICULAR CARDIOMYOPATHY; Myofibrillar myopathy 1. Identifiers: Orphanet 363543, Orphanet 98909, MedGen C1832370, MONDO:0011076, OMIM 601419.

Submission:

Labcorp Genetics (formerly Invitae), Labcorp
Classification: Uncertain significance for Desmin-related myofibrillar myopathy. Last evaluated: 2022-12-07. Review status: criteria provided, single submitter. Criteria: Invitae Variant Classification Sherloc (09022015). Collection method: clinical testing. Allele origin: germline.
Comment: Advanced modeling of protein sequence and biophysical properties (such as structural, functional, and spatial information, amino acid conservation, physicochemical variation, residue mobility, and thermodynamic stability) has been performed at Invitae for this missense variant, however the output from this modeling did not meet the statistical confidence thresholds required to predict the impact of this variant on DES protein function. This sequence change replaces serine, which is neutral and polar, with cysteine, which is neutral and slightly polar, at codon 290 of the DES protein (p.Ser290Cys). This variant is not present in population databases (gnomAD no frequency). This variant has not been reported in the literature in individuals affected with DES-related conditions. In summary, the available evidence is currently insufficient to determine the role of this variant in disease. Therefore, it has been classified as a Variant of Uncertain Significance.